The following is an entry in ClinVar:

ClinVar aggregate classification (germline): Pathogenic (1 of 4 stars; one submission).

Conditions:
Hypertrophic cardiomyopathy. Also called: HYPERTROPHIC MYOCARDIOPATHY. Identifiers: Orphanet 217569, MedGen C0007194, MeSH D002312, MONDO:0005045, HP:0001639.

Submission:

Labcorp Genetics (formerly Invitae), Labcorp
Classification: Pathogenic for Hypertrophic cardiomyopathy. Last evaluated: 2023-08-30. Review status: criteria provided, single submitter. Criteria: Invitae Variant Classification Sherloc (09022015). Collection method: clinical testing. Allele origin: germline.
Comment: For these reasons, this variant has been classified as Pathogenic. This premature translational stop signal has been observed in individual(s) with hypertrophic cardiomyopathy (PMID: 32815737). This variant is not present in population databases (gnomAD no frequency). This sequence change creates a premature translational stop signal (p.Pro110Leufs*49) in the MYBPC3 gene. It is expected to result in an absent or disrupted protein product. Loss-of-function variants in MYBPC3 are known to be pathogenic (PMID: 19574547).

Literature cited by the submitters: PubMed 32815737; PubMed 19574547.

NM_000256.3(MYBPC3):c.329del (p.Pro110fs)

Gene: MYBPC3 (myosin binding protein C3; minus strand). Cytogenetic location: 11p11.2.
Variant type: Deletion.
Coding change: c.329del on transcript NM_000256.3 (MANE Select); coding-DNA position 329, one base deleted (C; older notation c.329delC).
Protein change: p.Pro110fs; shifts the reading frame from proline 110.
Molecular consequence: frameshift variant.
Genome position (GRCh38, 1-based): chr11:47,350,579, G deleted on the plus strand (C on the coding strand, the reverse complement: MYBPC3 is on the minus strand); the first of 4 consecutive G bases (chr11:47,350,579-47,350,582); deleting any one gives the same sequence. VCF-style (leftmost placement, unchanged base first): chr11-47350578-AG-A. GRCh37 (hg19) VCF-style: chr11-47372129-AG-A.
Other names: short protein forms P110fs.
Identifiers: ClinVar variation 2780212 (VCV002780212.3), dbSNP rs2495783781, ClinGen allele CA2613399066.